The following is an entry in ClinVar:

ClinVar aggregate classification (germline): Uncertain significance. Review status: criteria provided, multiple submitters, no conflicts (2 of 4 stars). 2 submissions from 2 submitters: Uncertain significance (2). Last evaluated 2022-08-09.

Conditions:
Netherton syndrome (NETH). Also called: ERYTHRODERMA, ICHTHYOSIFORM, WITH HYPOTRICHOSIS AND HYPER-IgE; COMEL-NETHERTON SYNDROME; NETHERTON DISEASE. Identifiers: Orphanet 634, MedGen C5574950, MONDO:0009735, OMIM 256500.

Allele frequency attached by ClinVar (database versions not stated): gnomAD 0.00003; TOPMed 0.00011; ExAC 0.00018; gnomAD exomes 0.00023.
gnomAD v4.1: 62 of 1,612,242 alleles (0.0038%); highest among the groups gnomAD compares: Admixed American, 0.1%; no homozygotes.

Submissions (2):

Labcorp Genetics (formerly Invitae), Labcorp
Classification: Uncertain significance for Ichthyosis linearis circumflexa. Last evaluated: 2022-08-09. Review status: criteria provided, single submitter. Criteria: Invitae Variant Classification Sherloc (09022015). Collection method: clinical testing. Allele origin: germline.
Comment: This sequence change replaces glutamic acid, which is acidic and polar, with lysine, which is basic and polar, at codon 561 of the SPINK5 protein (p.Glu561Lys). This variant is present in population databases (rs771426270, gnomAD 0.2%). This variant has not been reported in the literature in individuals affected with SPINK5-related conditions. ClinVar contains an entry for this variant (Variation ID: 862893). Algorithms developed to predict the effect of missense changes on protein structure and function are either unavailable or do not agree on the potential impact of this missense change (SIFT: "Tolerated"; PolyPhen-2: "Possibly Damaging"; Align-GVGD: "Class C0"). Algorithms developed to predict the effect of sequence changes on RNA splicing suggest that this variant may create or strengthen a splice site. In summary, the available evidence is currently insufficient to determine the role of this variant in disease. Therefore, it has been classified as a Variant of Uncertain Significance.

GeneDx
Classification: Uncertain significance. Last evaluated: 2021-01-07. Review status: criteria provided, single submitter. Criteria: GeneDx Variant Classification Process June 2021. Collection method: clinical testing. Allele origin: germline. Affected: yes.
Comment: In silico analysis supports that this missense variant does not alter protein structure/function; Has not been previously published as pathogenic or benign to our knowledge

NM_006846.4(SPINK5):c.1681G>A (p.Glu561Lys)

Gene: SPINK5 (serine peptidase inhibitor Kazal type 5; plus strand). Cytogenetic location: 5q32.
Variant type: single nucleotide variant.
Coding change: c.1681G>A on transcript NM_006846.4 (MANE Select); coding-DNA position 1681, G replaced by A.
Protein change: p.Glu561Lys; replaces glutamic acid 561 with lysine.
Molecular consequence: missense variant.
Genome position (GRCh38, 1-based): chr5:148,108,826, G>A. VCF-style: chr5-148108826-G-A. GRCh37 (hg19) VCF-style: chr5-147488389-G-A.
Other names: c.1681G>A, p.Glu561Lys (NM_001127698.2, NM_001127699.2); short protein forms E561K.
Identifiers: ClinVar variation 862893 (VCV000862893.8), dbSNP rs771426270, ClinGen allele CA3495692.
Genomic context (GRCh38, chr5:148,108,826, plus strand): 5'-GAAGAGAAGAAAAATGATAAAGAAGAAAAAGGGAAAGTCGAGGCTGAAAAAGTTAAGAGA[G>A]AAGCAGTTCAGGTAGTTGTTTGAGATCATCAGAGCCACATAAATATTCAACGATCACTCT-3'
Protein context (NP_006837.2, residues 551-571): GKVEAEKVKR[Glu561Lys]AVQELCSEYR